The following is an entry in ClinVar:

ClinVar aggregate classification (germline): Uncertain significance. Review status: criteria provided, multiple submitters, no conflicts (2 of 4 stars). 4 submissions from 4 submitters: Uncertain significance (4). Last evaluated 2025-10-27.

Conditions:
Colorectal cancer, susceptibility to, 1. Also called: COLORECTAL ADENOMA AND CANCER, SUSCEPTIBILITY TO; COLORECTAL CANCER, SUSCEPTIBILITY TO, ON CHROMOSOME 9. Identifiers: MedGen C1837315, MONDO:0012132, OMIM 608812.

Allele frequency attached by ClinVar (database versions not stated): gnomAD 0.00001; gnomAD exomes 0.00001 and 0.00002; TOPMed 0.00001.
gnomAD v4.1: 14 of 1,610,924 alleles (0.00087%); highest among the groups gnomAD compares: Non-Finnish European, 0.0012%; no homozygotes.

Submissions (4):

Labcorp Genetics (formerly Invitae), Labcorp
Classification: Uncertain significance. Last evaluated: 2025-10-27. Review status: criteria provided, single submitter. Criteria: Invitae Variant Classification Sherloc (09022015). Collection method: clinical testing. Allele origin: germline.
Comment: This sequence change replaces histidine, which is basic and polar, with arginine, which is basic and polar, at codon 182 of the GALNT12 protein (p.His182Arg). This variant is present in population databases (no rsID available, gnomAD 0.002%). This variant has not been reported in the literature in individuals affected with GALNT12-related conditions. ClinVar contains an entry for this variant (Variation ID: 1011856). Invitae Evidence Modeling of protein sequence and biophysical properties (such as structural, functional, and spatial information, amino acid conservation, physicochemical variation, residue mobility, and thermodynamic stability) indicates that this missense variant is not expected to disrupt GALNT12 protein function with a negative predictive value of 80%. In summary, the available evidence is currently insufficient to determine the role of this variant in disease. Therefore, it has been classified as a Variant of Uncertain Significance.

Ambry Genetics
Classification: Uncertain significance. Last evaluated: 2025-08-03. Review status: criteria provided, single submitter. Criteria: Ambry Variant Classification Scheme 2023. Collection method: clinical testing. Allele origin: germline.

Blueprint Genetics
Classification: Uncertain significance. Last evaluated: 2024-08-06. Review status: criteria provided, single submitter. Criteria: ACMG Guidelines, 2015. Collection method: clinical testing. Allele origin: germline.

Department of Pathology and Laboratory Medicine, Sinai Health System
Classification: Uncertain significance for Colorectal cancer, susceptibility to, 1. Last evaluated: 2023-07-20. Review status: criteria provided, single submitter. Criteria: ACMG Guidelines, 2015. Collection method: clinical testing. Allele origin: germline. Affected: yes.

NM_024642.5(GALNT12):c.545A>G (p.His182Arg)

Gene: GALNT12 (polypeptide N-acetylgalactosaminyltransferase 12; plus strand). Cytogenetic location: 9q22.33.
Variant type: single nucleotide variant.
Coding change: c.545A>G on transcript NM_024642.5 (MANE Select); coding-DNA position 545, A replaced by G.
Protein change: p.His182Arg; replaces histidine 182 with arginine.
Molecular consequence: missense variant.
Genome position (GRCh38, 1-based): chr9:98,826,755, A>G. VCF-style: chr9-98826755-A-G. GRCh37 (hg19) VCF-style: chr9-101589037-A-G.
Other names: short protein forms H182R.
Identifiers: ClinVar variation 1011856 (VCV001011856.16), dbSNP rs1196473648, ClinGen allele CA374217240.